The following is an entry in ClinVar:

NM_002911.4(UPF1):c.3351G>A (p.Gln1117=)

Gene: UPF1 (UPF1 RNA helicase and ATPase; plus strand). Cytogenetic location: 19p13.11.
Variant type: single nucleotide variant.
Coding change: c.3351G>A on transcript NM_002911.4 (MANE Select); coding-DNA position 3351, G replaced by A.
Protein change: p.Gln1117=; no amino-acid change (glutamine 1117 retained).
Molecular consequence: synonymous variant.
Genome position (GRCh38, 1-based): chr19:18,866,157, G>A. VCF-style: chr19-18866157-G-A. GRCh37 (hg19) VCF-style: chr19-18976966-G-A.
Other names: c.3384G>A, p.Gln1128= (NM_001297549.2).
Identifiers: ClinVar variation 3048105 (VCV003048105.2), dbSNP rs571973663, ClinGen allele CA9317868.

ClinVar aggregate classification (germline): Likely benign (0 of 4 stars; one submission).

Conditions:
UPF1-related disorder. Also called: UPF1-related condition.

Allele frequency attached by ClinVar (database versions not stated): gnomAD 0.00014; gnomAD exomes 0.00021; 1000 Genomes Project 30x 0.00047; 1000 Genomes Project 0.00060; ExAC 0.00081.
gnomAD v4.1: 332 of 1,599,752 alleles (0.021%); highest among the groups gnomAD compares: South Asian, 0.35%; 3 homozygotes.

Submission:

PreventionGenetics, part of Exact Sciences
Classification: Likely benign for UPF1-related condition. Last evaluated: 2021-07-29. Review status: no assertion criteria provided. Collection method: clinical testing. Allele origin: germline.
Comment: This variant is classified as likely benign based on ACMG/AMP sequence variant interpretation guidelines (Richards et al. 2015 PMID: 25741868, with internal and published modifications).